The following is an entry in ClinVar:

NM_001429.4(EP300):c.3751G>A (p.Gly1251Arg)

Gene: EP300 (EP300 lysine acetyltransferase; plus strand). Cytogenetic location: 22q13.2.
Variant type: single nucleotide variant.
Coding change: c.3751G>A on transcript NM_001429.4 (MANE Select); coding-DNA position 3751, G replaced by A.
Protein change: p.Gly1251Arg; replaces glycine 1251 with arginine.
Molecular consequence: missense variant.
Genome position (GRCh38, 1-based): chr22:41,164,075, G>A. VCF-style: chr22-41164075-G-A. GRCh37 (hg19) VCF-style: chr22-41560079-G-A.
Other names: c.3673G>A, p.Gly1225Arg (NM_001362843.2); short protein forms G1225R, G1251R.
Identifiers: ClinVar variation 3039679 (VCV003039679.5), dbSNP rs373249130, ClinGen allele CA10253236.

ClinVar aggregate classification (germline): Likely benign. Review status: criteria provided, multiple submitters, no conflicts (2 of 4 stars). 3 submissions from 3 submitters: Likely benign (2). 1 of the submissions does not count toward it. Last evaluated 2025-09-22.

Conditions:
EP300-related disorder. Also called: EP300-related condition; EP300-related disorders.
Rubinstein-Taybi syndrome due to EP300 haploinsufficiency. Also called: EP300-Related Rubinstein-Taybi Syndrome; RUBINSTEIN-TAYBI SYNDROME 2. Identifiers: Orphanet 353284, Orphanet 783, MedGen C3150941, MONDO:0013364, OMIM 613684.

Allele frequency attached by ClinVar (database versions not stated): ExAC 0.00003; gnomAD 0.00004; ESP Exome Variant Server 0.00008; gnomAD exomes 0.00008; TOPMed 0.00008.
gnomAD v4.1: 122 of 1,613,982 alleles (0.0076%); highest among the groups gnomAD compares: Middle Eastern, 0.15%; no homozygotes.

Submissions (3):

Labcorp Genetics (formerly Invitae), Labcorp
Classification: Likely benign for Rubinstein-Taybi syndrome due to EP300 haploinsufficiency. Last evaluated: 2025-09-22. Review status: criteria provided, single submitter. Criteria: Invitae Variant Classification Sherloc (09022015). Collection method: clinical testing. Allele origin: germline.

Blueprint Genetics
Classification: Likely benign. Last evaluated: 2024-11-11. Review status: criteria provided, single submitter. Criteria: ACMG Guidelines, 2015. Collection method: clinical testing. Allele origin: germline.

PreventionGenetics, part of Exact Sciences
Classification: Likely benign for EP300-related condition. Last evaluated: 2021-08-23. Review status: no assertion criteria provided. Collection method: clinical testing. Allele origin: germline. Not counted in ClinVar's aggregate classification.
Comment: This variant is classified as likely benign based on ACMG/AMP sequence variant interpretation guidelines (Richards et al. 2015 PMID: 25741868, with internal and published modifications).